The following is an entry in ClinVar:

NM_006660.5(CLPX):c.1398G>A (p.Ser466=)

Gene: CLPX (caseinolytic mitochondrial matrix peptidase chaperone subunit X; minus strand). Cytogenetic location: 15q22.31.
Variant type: single nucleotide variant.
Coding change: c.1398G>A on transcript NM_006660.5 (MANE Select); coding-DNA position 1398, G replaced by A.
Protein change: p.Ser466=; no amino-acid change (serine 466 retained).
Molecular consequence: synonymous variant. On other transcripts: non-coding transcript variant (1).
Genome position (GRCh38, 1-based): chr15:65,154,995, C>T on the plus strand (G>A on the coding strand, the complement: CLPX is on the minus strand). VCF-style: chr15-65154995-C-T. GRCh37 (hg19) VCF-style: chr15-65447333-C-T.
Other names: c.1398G>A (NM_006660.4).
Identifiers: ClinVar variation 1603579 (VCV001603579.11), dbSNP rs35370045, ClinGen allele CA7614647.

ClinVar aggregate classification (germline): Benign. Review status: criteria provided, multiple submitters, no conflicts (2 of 4 stars). 3 submissions from 3 submitters: Benign (2). 1 of the submissions does not count toward it. Last evaluated 2020-12-30.

Conditions:
CLPX-related disorder. Also called: CLPX-related condition.

Allele frequency attached by ClinVar (database versions not stated): gnomAD exomes 0.00009; ExAC 0.00012; gnomAD 0.00027 and 0.00030; 1000 Genomes Project 30x 0.00031; TOPMed 0.00034; 1000 Genomes Project 0.00040; ESP Exome Variant Server 0.00054.
gnomAD v4.1: 93 of 1,614,062 alleles (0.0058%); highest among the groups gnomAD compares: African/African-American, 0.11%; 1 homozygote.

Submissions (3):

Labcorp Genetics (formerly Invitae), Labcorp
Classification: Benign. Last evaluated: 2020-12-30. Review status: criteria provided, single submitter. Criteria: Invitae Variant Classification Sherloc (09022015). Collection method: clinical testing. Allele origin: germline.

Breakthrough Genomics
Classification: Benign. Review status: criteria provided, single submitter. Criteria: ACMG Guidelines, 2015. Collection method: not provided. Allele origin: germline. Inheritance: Autosomal dominant inheritance. Affected: yes.

PreventionGenetics, part of Exact Sciences
Classification: Likely benign for CLPX-related condition. Last evaluated: 2019-03-05. Review status: no assertion criteria provided. Collection method: clinical testing. Allele origin: germline. Not counted in ClinVar's aggregate classification.
Comment: This variant is classified as likely benign based on ACMG/AMP sequence variant interpretation guidelines (Richards et al. 2015 PMID: 25741868, with internal and published modifications).